The following is an entry in ClinVar:

NM_000275.3(OCA2):c.2079+1G>A

Gene: OCA2 (OCA2 melanosomal transmembrane protein; minus strand). Cytogenetic location: 15q13.1.
Variant type: single nucleotide variant.
Coding change: c.2079+1G>A on transcript NM_000275.3 (MANE Select); the canonical splice donor site of the intron after coding-DNA position 2079, G replaced by A.
Molecular consequence: splice donor variant.
Genome position (GRCh38, 1-based): chr15:27,926,126, C>T on the plus strand (G>A on the coding strand, the complement: OCA2 is on the minus strand). VCF-style: chr15-27926126-C-T. GRCh37 (hg19) VCF-style: chr15-28171272-C-T.
Other names: c.2007+1G>A (NM_001300984.2).
Identifiers: ClinVar variation 2736161 (VCV002736161.4), dbSNP rs1414406881, ClinGen allele CA391360811.
Genomic context (GRCh38, chr15:27,926,126, plus strand): 5'-ATAAAACATGAAATACAAAAATCAGGTAAAATGCCATATGGCAAAAGTTCTAAAATCTTA[C>T]CTCCATCAGAACAAAGAGCGCTGCAAAAAACAGAAGGGTTGCCCATTCCACTCTGTGTAG-3'

ClinVar aggregate classification (germline): Likely pathogenic. Review status: criteria provided, multiple submitters, no conflicts (2 of 4 stars). 2 submissions from 2 submitters: Likely pathogenic (2). Last evaluated 2026-01-08.

Conditions:
Tyrosinase-positive oculocutaneous albinism (OCA2). Also called: ALBINISM II; Albinism, oculocutaneous, type II; Oculocutaneous albinism type 2. Identifiers: Orphanet 79432, MedGen C0268495, MONDO:0008746, OMIM 203200.

Submissions (2):

Myriad Genetics, Inc.
Classification: Likely pathogenic for Tyrosinase-positive oculocutaneous albinism. Last evaluated: 2026-01-08. Review status: criteria provided, single submitter. Criteria: Myriad Autosomal Dominant, Autosomal Recessive and X-Linked Classification Criteria (2023). Collection method: clinical testing. Allele origin: unknown.
Comment: NM_000275.2(OCA2):c.2079+1G>A is a variant in a canonical splice site classified as likely pathogenic in the context of oculocutaneous albinism, OCA2-related. c.2079+1G>A has been observed in a case with relevant disease (PMID: 26573111). Relevant functional assessments of this variant are not available in the literature. c.2079+1G>A has not been observed in referenced population frequency databases. In summary, NM_000275.2(OCA2):c.2079+1G>A is a variant in a canonical splice site in a gene where loss of function is a known mechanism of disease, is predicted to disrupt protein function, and has been observed more frequently in cases with the relevant disease than in healthy populations. Please note: this variant was assessed in the context of healthy population screening.

Labcorp Genetics (formerly Invitae), Labcorp
Classification: Likely pathogenic. Last evaluated: 2024-06-21. Review status: criteria provided, single submitter. Criteria: Invitae Variant Classification Sherloc (09022015). Collection method: clinical testing. Allele origin: germline.
Comment: This sequence change affects a donor splice site in intron 19 of the OCA2 gene. It is expected to disrupt RNA splicing. Variants that disrupt the donor or acceptor splice site typically lead to a loss of protein function (PMID: 16199547), and loss-of-function variants in OCA2 are known to be pathogenic (PMID: 19865097, 21541274). This variant is not present in population databases (gnomAD no frequency). Disruption of this splice site has been observed in individual(s) with oculocutaneous albinism (PMID: 26573111). This variant is also known as IVS19+1G>A. Algorithms developed to predict the effect of sequence changes on RNA splicing suggest that this variant may disrupt the consensus splice site. In summary, the currently available evidence indicates that the variant is pathogenic, but additional data are needed to prove that conclusively. Therefore, this variant has been classified as Likely Pathogenic.

Literature cited by the submitters: PubMed 26573111 (cited by Myriad Genetics, Inc. and Labcorp Genetics (formerly Invitae), Labcorp); PubMed 16199547 (cited by Labcorp Genetics (formerly Invitae), Labcorp); PubMed 19865097 (cited by Labcorp Genetics (formerly Invitae), Labcorp); PubMed 21541274 (cited by Labcorp Genetics (formerly Invitae), Labcorp).